The following is an entry in ClinVar:

ClinVar aggregate classification (germline): Uncertain significance (1 of 4 stars; one submission).

Submission:

Labcorp Genetics (formerly Invitae), Labcorp
Classification: Uncertain significance. Last evaluated: 2024-11-18. Review status: criteria provided, single submitter. Criteria: Invitae Variant Classification Sherloc (09022015). Collection method: clinical testing. Allele origin: germline.
Comment: This variant, c.351_440del, results in the deletion of 30 amino acid(s) of the LOR protein (p.Ser121_Gly150del), but otherwise preserves the integrity of the reading frame. The frequency data for this variant in the population databases is considered unreliable, as metrics indicate poor data quality at this position in the gnomAD database. This variant has not been reported in the literature in individuals affected with LOR-related conditions. ClinVar contains an entry for this variant (Variation ID: 2884256). Experimental studies and prediction algorithms are not available or were not evaluated, and the functional significance of this variant is currently unknown. In summary, the available evidence is currently insufficient to determine the role of this variant in disease. Therefore, it has been classified as a Variant of Uncertain Significance.

NM_000427.3(LORICRIN):c.351_440del (p.Ser121_Gly150del)

Gene: LORICRIN (loricrin cornified envelope precursor protein; plus strand). Cytogenetic location: 1q21.3.
Variant type: Deletion.
Coding change: c.351_440del on transcript NM_000427.3 (MANE Select); coding-DNA positions 351 to 440, 90 bases deleted.
Protein change: p.Ser121_Gly150del.
Molecular consequence: inframe deletion.
Genome position (GRCh38, 1-based): chr1:153,261,300-153,261,389, 90 bases deleted. GRCh37 (hg19): chr1:153,233,776-153,233,865.
Identifiers: ClinVar variation 2884256 (VCV002884256.3), dbSNP rs2526492664, ClinGen allele CA526663145.